The following is an entry in ClinVar:

NM_001114753.3(ENG):c.1273-4_1273-3delinsAA

Genes: ENG (endoglin; minus strand), LOC102723566 (uncharacterized LOC102723566; plus strand). Cytogenetic location: 9q34.11.
Variant type: Indel.
Coding change: c.1273-4_1273-3delinsAA on transcript NM_001114753.3 (MANE Select); 4 bases into the intron before coding-DNA position 1273 through 3 bases into the intron before coding-DNA position 1273, GC replaced by AA.
Molecular consequence: intron variant.
Genome position (GRCh38, 1-based): chr9:127,819,663-127,819,664, GC replaced by TT on the plus strand (GC replaced by AA on the coding strand, the reverse complement: ENG is on the minus strand). VCF-style: chr9-127819663-GC-TT. GRCh37 (hg19) VCF-style: chr9-130581942-GC-TT.
Other names: c.1273-4_1273-3delinsAA (NM_000118.4); c.727-4_727-3delinsAA (NM_001278138.2).
Identifiers: ClinVar variation 936773 (VCV000936773.8), dbSNP rs1830425770, ClinGen allele CA1139659937.

ClinVar aggregate classification (germline): Uncertain significance (1 of 4 stars; one submission).

Conditions:
Hereditary hemorrhagic telangiectasia (HHT). Also called: ORW DISEASE; Osler Weber Rendu syndrome; OSLER-RENDU-WEBER DISEASE; Osler hemorrhagic telangiectasia syndrome. Identifiers: Orphanet 774, MedGen C0039445, MONDO:0019180. Disease mechanism: loss of function.

Submission:

Labcorp Genetics (formerly Invitae), Labcorp
Classification: Uncertain significance for Hereditary hemorrhagic telangiectasia. Last evaluated: 2023-07-31. Review status: criteria provided, single submitter. Criteria: Invitae Variant Classification Sherloc (09022015). Collection method: clinical testing. Allele origin: germline.
Comment: This sequence change falls in intron 9 of the ENG gene. It does not directly change the encoded amino acid sequence of the ENG protein. It affects a nucleotide within the consensus splice site. In summary, the available evidence is currently insufficient to determine the role of this variant in disease. Therefore, it has been classified as a Variant of Uncertain Significance. Variants that disrupt the consensus splice site are a relatively common cause of aberrant splicing (PMID: 17576681, 9536098). ClinVar contains an entry for this variant (Variation ID: 936773). This variant has not been reported in the literature in individuals affected with ENG-related conditions. Information on the frequency of this variant in the gnomAD database is not available, as this variant may be reported differently in the database.

Literature cited by the submitters: PubMed 17576681; PubMed 9536098.